The following is an entry in ClinVar:

ClinVar aggregate classification (germline): Uncertain significance (1 of 4 stars; one submission).

gnomAD v4.1: 1 of 1,614,152 alleles (0.000062%); highest among the groups gnomAD compares: Non-Finnish European, 0.000085%; no homozygotes.

Submission:

Labcorp Genetics (formerly Invitae), Labcorp
Classification: Uncertain significance. Last evaluated: 2025-11-04. Review status: criteria provided, single submitter. Criteria: Invitae Variant Classification Sherloc (09022015). Collection method: clinical testing. Allele origin: germline.
Comment: This sequence change replaces glycine, which is neutral and non-polar, with aspartic acid, which is acidic and polar, at codon 1228 of the IGF1R protein (p.Gly1228Asp). This variant is not present in population databases (gnomAD no frequency). This variant has not been reported in the literature in individuals affected with IGF1R-related conditions. ClinVar contains an entry for this variant (Variation ID: 3704136). Invitae Evidence Modeling of protein sequence and biophysical properties (such as structural, functional, and spatial information, amino acid conservation, physicochemical variation, residue mobility, and thermodynamic stability) indicates that this missense variant is expected to disrupt IGF1R protein function with a positive predictive value of 80%. In summary, the available evidence is currently insufficient to determine the role of this variant in disease. Therefore, it has been classified as a Variant of Uncertain Significance.

NM_000875.5(IGF1R):c.3683G>A (p.Gly1228Asp)

Gene: IGF1R (insulin like growth factor 1 receptor; plus strand). Cytogenetic location: 15q26.3.
Variant type: single nucleotide variant.
Coding change: c.3683G>A on transcript NM_000875.5 (MANE Select); coding-DNA position 3683, G replaced by A.
Protein change: p.Gly1228Asp; replaces glycine 1228 with aspartic acid.
Molecular consequence: missense variant.
Genome position (GRCh38, 1-based): chr15:98,948,669, G>A. VCF-style: chr15-98948669-G-A. GRCh37 (hg19) VCF-style: chr15-99491898-G-A.
Other names: c.3680G>A, p.Gly1227Asp (NM_001291858.2); short protein forms G1227D, G1228D.
Identifiers: ClinVar variation 3704136 (VCV003704136.2).